The following is an entry in ClinVar:

ClinVar aggregate classification (germline): Uncertain significance (1 of 4 stars; one submission).

Conditions:
Hereditary spastic paraplegia 48. Also called: SPASTIC PARAPLEGIA 48, AUTOSOMAL RECESSIVE; Spastic paraplegia 48. Identifiers: Orphanet 306511, MedGen C3150901, MONDO:0013342, OMIM 613647.

gnomAD v4.1: 2 of 1,611,878 alleles (0.00012%); highest among the groups gnomAD compares: Admixed American, 0.0017%; no homozygotes.

Submission:

Labcorp Genetics (formerly Invitae), Labcorp
Classification: Uncertain significance for Hereditary spastic paraplegia 48. Last evaluated: 2024-10-22. Review status: criteria provided, single submitter. Criteria: Invitae Variant Classification Sherloc (09022015). Collection method: clinical testing. Allele origin: germline.
Comment: This sequence change replaces glutamic acid, which is acidic and polar, with glycine, which is neutral and non-polar, at codon 652 of the AP5Z1 protein (p.Glu652Gly). This variant is not present in population databases (gnomAD no frequency). This variant has not been reported in the literature in individuals affected with AP5Z1-related conditions. ClinVar contains an entry for this variant (Variation ID: 2185766). Invitae Evidence Modeling of protein sequence and biophysical properties (such as structural, functional, and spatial information, amino acid conservation, physicochemical variation, residue mobility, and thermodynamic stability) indicates that this missense variant is expected to disrupt AP5Z1 protein function with a positive predictive value of 80%. In summary, the available evidence is currently insufficient to determine the role of this variant in disease. Therefore, it has been classified as a Variant of Uncertain Significance.

NM_014855.3(AP5Z1):c.1955A>G (p.Glu652Gly)

Gene: AP5Z1 (adaptor related protein complex 5 subunit zeta 1; plus strand). Cytogenetic location: 7p22.1.
Variant type: single nucleotide variant.
Coding change: c.1955A>G on transcript NM_014855.3 (MANE Select); coding-DNA position 1955, A replaced by G.
Protein change: p.Glu652Gly; replaces glutamic acid 652 with glycine.
Molecular consequence: missense variant. On other transcripts: non-coding transcript variant (1).
Genome position (GRCh38, 1-based): chr7:4,790,689, A>G. VCF-style: chr7-4790689-A-G. GRCh37 (hg19) VCF-style: chr7-4830320-A-G.
Other names: c.1487A>G, p.Glu496Gly (NM_001364858.1); short protein forms E496G, E652G.
Identifiers: ClinVar variation 2185766 (VCV002185766.3), dbSNP rs1219721876, ClinGen allele CA366664482.